The following is an entry in ClinVar:

ClinVar aggregate classification (germline): Uncertain significance. Review status: criteria provided, multiple submitters, no conflicts (2 of 4 stars). 2 submissions from 2 submitters: Uncertain significance (2). Last evaluated 2025-06-08.

Conditions:
Hereditary cancer-predisposing syndrome. Also called: Hereditary Cancer Syndrome; Tumor predisposition; Hereditary neoplastic syndrome; Neoplastic Syndromes, Hereditary. Identifiers: Orphanet 140162, MedGen C0027672, MeSH D009386, MONDO:0015356.
Hereditary diffuse gastric adenocarcinoma (HDGC). Also called: DIFFUSE GASTRIC AND LOBULAR BREAST CANCER SYNDROME. Identifiers: Orphanet 26106, MedGen C1708349, MONDO:0007648, OMIM 137215.

Submissions (2):

Labcorp Genetics (formerly Invitae), Labcorp
Classification: Uncertain significance for Hereditary diffuse gastric adenocarcinoma. Last evaluated: 2025-06-08. Review status: criteria provided, single submitter. Criteria: Invitae Variant Classification Sherloc (09022015). Collection method: clinical testing. Allele origin: germline.
Comment: This sequence change replaces threonine, which is neutral and polar, with lysine, which is basic and polar, at codon 427 of the CDH1 protein (p.Thr427Lys). This variant is not present in population databases (gnomAD no frequency). This variant has not been reported in the literature in individuals affected with CDH1-related conditions. ClinVar contains an entry for this variant (Variation ID: 1054909). An algorithm developed to predict the effect of missense changes on protein structure and function (PolyPhen-2) suggests that this variant is likely to be disruptive. In summary, the available evidence is currently insufficient to determine the role of this variant in disease. Therefore, it has been classified as a Variant of Uncertain Significance.

Color Diagnostics, LLC DBA Color Health
Classification: Uncertain significance for Hereditary cancer-predisposing syndrome. Last evaluated: 2021-02-16. Review status: criteria provided, single submitter. Criteria: ACMG Guidelines, 2015. Collection method: clinical testing. Allele origin: germline.
Comment: This missense variant replaces threonine with lysine at codon 427 of the CDH1 protein. To our knowledge, functional studies have not been reported for this variant. This variant has not been reported in individuals affected with hereditary cancer in the literature. This variant has not been identified in the general population by the Genome Aggregation Database (gnomAD). The available evidence is insufficient to determine the role of this variant in disease conclusively. Therefore, this variant is classified as a Variant of Uncertain Significance.

NM_004360.5(CDH1):c.1280C>A (p.Thr427Lys)

Gene: CDH1 (cadherin 1; plus strand). Cytogenetic location: 16q22.1.
Variant type: single nucleotide variant.
Coding change: c.1280C>A on transcript NM_004360.5 (MANE Select); coding-DNA position 1280, C replaced by A.
Protein change: p.Thr427Lys; replaces threonine 427 with lysine.
Molecular consequence: missense variant. On other transcripts: 5 prime UTR variant (2), intron variant (1).
Genome position (GRCh38, 1-based): chr16:68,813,455, C>A. VCF-style: chr16-68813455-C-A. GRCh37 (hg19) VCF-style: chr16-68847358-C-A.
Other names: c.-336C>A (NM_001317185.2); c.-540C>A (NM_001317186.2); c.1137+1192C>A (NM_001317184.2); short protein forms T427K.
Identifiers: ClinVar variation 1054909 (VCV001054909.12), dbSNP rs2152133597, ClinGen allele CA396461734.